The following is an entry in ClinVar:

ClinVar aggregate classification (germline): Uncertain significance. Review status: criteria provided, multiple submitters, no conflicts (2 of 4 stars). 2 submissions from 2 submitters: Uncertain significance (2). Last evaluated 2024-10-03.

Conditions:
Inborn genetic diseases. Identifiers: MedGen C0950123, MeSH D030342.

gnomAD v4.1: 3 of 1,133,952 alleles (0.00026%); highest among the groups gnomAD compares: Admixed American, 0.0084%; no homozygotes.

Submissions (2):

Ambry Genetics
Classification: Uncertain significance for Inborn genetic diseases. Last evaluated: 2024-10-03. Review status: criteria provided, single submitter. Criteria: Ambry Variant Classification Scheme 2023. Collection method: clinical testing. Allele origin: germline.

Labcorp Genetics (formerly Invitae), Labcorp
Classification: Uncertain significance. Last evaluated: 2022-09-06. Review status: criteria provided, single submitter. Criteria: Invitae Variant Classification Sherloc (09022015). Collection method: clinical testing. Allele origin: germline.
Comment: This variant has not been reported in the literature in individuals affected with NYX-related conditions. The frequency data for this variant in the population databases is considered unreliable, as metrics indicate poor data quality at this position in the gnomAD database. This sequence change replaces glycine, which is neutral and non-polar, with alanine, which is neutral and non-polar, at codon 227 of the NYX protein (p.Gly227Ala). Algorithms developed to predict the effect of missense changes on protein structure and function (SIFT, PolyPhen-2, Align-GVGD) all suggest that this variant is likely to be tolerated. In summary, the available evidence is currently insufficient to determine the role of this variant in disease. Therefore, it has been classified as a Variant of Uncertain Significance.

NM_001378477.3(NYX):c.665G>C (p.Gly222Ala)

Gene: NYX (nyctalopin; plus strand). Cytogenetic location: Xp11.4.
Variant type: single nucleotide variant.
Coding change: c.665G>C on transcript NM_001378477.3 (MANE Select); coding-DNA position 665, G replaced by C.
Protein change: p.Gly222Ala; replaces glycine 222 with alanine.
Molecular consequence: missense variant.
Genome position (GRCh38, 1-based): chrX:41,474,133, G>C. VCF-style: chrX-41474133-G-C. GRCh37 (hg19) VCF-style: chrX-41333386-G-C.
Other names: c.680G>C (NM_022567.2); c.665G>C, p.Gly222Ala (NM_022567.3); short protein forms G222A.
Identifiers: ClinVar variation 2041069 (VCV002041069.5), dbSNP rs1334576024, ClinGen allele CA412991017.